The following is an entry in ClinVar:

ClinVar aggregate classification (germline): Uncertain significance. Review status: criteria provided, multiple submitters, no conflicts (2 of 4 stars). 2 submissions from 2 submitters: Uncertain significance (2). Last evaluated 2025-08-01.

Conditions:
POLD1-related polyposis and colorectal cancer syndrome (CRCS10). Also called: Colorectal cancer, susceptibility to, 10; Colorectal cancer 10; COLORECTAL CANCER, SUSCEPTIBILITY TO, ON CHROMOSOME 19q. Identifiers: Orphanet 220460, MedGen C2675481, MONDO:0012953, OMIM 612591.
Hereditary cancer-predisposing syndrome. Also called: Tumor predisposition; Hereditary Cancer Syndrome; Hereditary neoplastic syndrome; Neoplastic Syndromes, Hereditary. Identifiers: Orphanet 140162, MedGen C0027672, MeSH D009386, MONDO:0015356.

Submissions (2):

Ambry Genetics
Classification: Uncertain significance for Hereditary cancer-predisposing syndrome. Last evaluated: 2025-08-01. Review status: criteria provided, single submitter. Criteria: Ambry Variant Classification Scheme 2023. Collection method: clinical testing. Allele origin: germline.

Labcorp Genetics (formerly Invitae), Labcorp
Classification: Uncertain significance for POLD1-related polyposis and colorectal cancer syndrome. Last evaluated: 2022-07-15. Review status: criteria provided, single submitter. Criteria: Invitae Variant Classification Sherloc (09022015). Collection method: clinical testing. Allele origin: germline.
Comment: This variant is not present in population databases (gnomAD no frequency). This variant has not been reported in the literature in individuals affected with POLD1-related conditions. ClinVar contains an entry for this variant (Variation ID: 1371060). Algorithms developed to predict the effect of missense changes on protein structure and function (SIFT, PolyPhen-2, Align-GVGD) all suggest that this variant is likely to be tolerated. In summary, the available evidence is currently insufficient to determine the role of this variant in disease. Therefore, it has been classified as a Variant of Uncertain Significance. This sequence change replaces proline, which is neutral and non-polar, with alanine, which is neutral and non-polar, at codon 1101 of the POLD1 protein (p.Pro1101Ala).

NM_002691.4(POLD1):c.3301C>G (p.Pro1101Ala)

Gene: POLD1 (DNA polymerase delta 1, catalytic subunit; plus strand). Cytogenetic location: 19q13.33.
Variant type: single nucleotide variant.
Coding change: c.3301C>G on transcript NM_002691.4 (MANE Select); coding-DNA position 3301, C replaced by G.
Protein change: p.Pro1101Ala; replaces proline 1101 with alanine.
Molecular consequence: missense variant. On other transcripts: non-coding transcript variant (1).
Genome position (GRCh38, 1-based): chr19:50,417,924, C>G. VCF-style: chr19-50417924-C-G. GRCh37 (hg19) VCF-style: chr19-50921181-C-G.
Other names: c.3301C>G, p.Pro1101Ala (NM_001256849.1); c.3379C>G, p.Pro1127Ala (NM_001308632.1); short protein forms P1127A, P1101A.
Identifiers: ClinVar variation 1371060 (VCV001371060.13), dbSNP rs142223599, ClinGen allele CA406987870.